The following is an entry in ClinVar:

NM_021629.4(GNB4):c.95A>G (p.Gln32Arg)

Gene: GNB4 (G protein subunit beta 4; minus strand). Cytogenetic location: 3q26.33.
Variant type: single nucleotide variant.
Coding change: c.95A>G on transcript NM_021629.4 (MANE Select); coding-DNA position 95, A replaced by G.
Protein change: p.Gln32Arg; replaces glutamine 32 with arginine.
Molecular consequence: missense variant.
Genome position (GRCh38, 1-based): chr3:179,420,890, T>C on the plus strand (A>G on the coding strand, the complement: GNB4 is on the minus strand). VCF-style: chr3-179420890-T-C. GRCh37 (hg19) VCF-style: chr3-179138678-T-C.
Other names: short protein forms Q32R.
Identifiers: ClinVar variation 863648 (VCV000863648.6), dbSNP rs1440906446, ClinGen allele CA355471214.

ClinVar aggregate classification (germline): Uncertain significance (1 of 4 stars; one submission).

Conditions:
Charcot-Marie-Tooth disease dominant intermediate F. Identifiers: Orphanet 352670, MedGen C4749463, MONDO:0014074, OMIM 615185.

Allele frequency attached by ClinVar (database versions not stated): gnomAD exomes below 0.00001; gnomAD 0.00001; TOPMed 0.00001.
gnomAD v4.1: 3 of 1,583,542 alleles (0.00019%); highest among the groups gnomAD compares: African/African-American, 0.0027%; no homozygotes.

Submission:

Labcorp Genetics (formerly Invitae), Labcorp
Classification: Uncertain significance for Charcot-Marie-Tooth disease dominant intermediate F. Last evaluated: 2021-08-26. Review status: criteria provided, single submitter. Criteria: Invitae Variant Classification Sherloc (09022015). Collection method: clinical testing. Allele origin: germline.
Comment: This sequence change replaces glutamine with arginine at codon 32 of the GNB4 protein (p.Gln32Arg). The glutamine residue is highly conserved and there is a small physicochemical difference between glutamine and arginine. This variant is not present in population databases (ExAC no frequency). This variant has not been reported in the literature in individuals affected with GNB4-related conditions. Algorithms developed to predict the effect of missense changes on protein structure and function are either unavailable or do not agree on the potential impact of this missense change (SIFT: "Deleterious"; PolyPhen-2: "Benign"; Align-GVGD: "Class C0"). Algorithms developed to predict the effect of sequence changes on RNA splicing suggest that this variant may disrupt the consensus splice site. In summary, the available evidence is currently insufficient to determine the role of this variant in disease. Therefore, it has been classified as a Variant of Uncertain Significance.